The following is an entry in ClinVar:

NM_018668.5(VPS33B):c.1809A>T (p.Thr603=)

Gene: VPS33B (VPS33B late endosome and lysosome associated; minus strand). Cytogenetic location: 15q26.1.
Variant type: single nucleotide variant.
Coding change: c.1809A>T on transcript NM_018668.5 (MANE Select); coding-DNA position 1809, A replaced by T.
Protein change: p.Thr603=; no amino-acid change (threonine 603 retained).
Molecular consequence: synonymous variant.
Genome position (GRCh38, 1-based): chr15:90,999,020, T>A on the plus strand (A>T on the coding strand, the complement: VPS33B is on the minus strand). VCF-style: chr15-90999020-T-A. GRCh37 (hg19) VCF-style: chr15-91542250-T-A.
Other names: c.1728A>T, p.Thr576= (NM_001289148.1); c.1536A>T, p.Thr512= (NM_001289149.1).
Identifiers: ClinVar variation 5000587 (VCV005000587.1).

ClinVar aggregate classification (germline): Likely benign (1 of 4 stars; one submission).

Conditions:
VPS33B-related disorder. Also called: VPS33B-related condition.

Submission:

PreventionGenetics, part of Exact Sciences
Classification: Likely benign for VPS33B-related condition. Last evaluated: 2024-12-09. Review status: criteria provided, single submitter. Criteria: ACMG Guidelines, 2015. Collection method: clinical testing. Allele origin: germline.
Comment: This variant is classified as likely benign based on ACMG/AMP sequence variant interpretation guidelines (Richards et al. 2015 PMID: 25741868, with internal and published modifications).